The following is an entry in ClinVar:

NM_000373.4(UMPS):c.670G>T (p.Glu224Ter)

Gene: UMPS (uridine monophosphate synthetase; plus strand). Cytogenetic location: 3q21.2.
Variant type: single nucleotide variant.
Coding change: c.670G>T on transcript NM_000373.4 (MANE Select); coding-DNA position 670, G replaced by T.
Protein change: p.Glu224Ter; replaces glutamic acid 224 with a stop codon.
Molecular consequence: nonsense. On other transcripts: non-coding transcript variant (2).
Genome position (GRCh38, 1-based): chr3:124,737,927, G>T. VCF-style: chr3-124737927-G-T. GRCh37 (hg19) VCF-style: chr3-124456774-G-T.
Other names: short protein forms E224*.
Identifiers: ClinVar variation 620432 (VCV000620432.1), dbSNP rs1559905153, ClinGen allele CA354275928.
Genomic context (GRCh38, chr3:124,737,927, plus strand): 5'-AATGTCTTTGTGGCAGCGAATCATAATGGTTCTCCCCTTTCTATAAAGGAAGCACCCAAA[G>T]AACTCAGCTTCGGTGCACGTGCAGAGCTGCCCAGGATCCACCCAGTTGCATCGAAGCTTC-3'

ClinVar aggregate classification (germline): Pathogenic (1 of 4 stars; one submission).

Allele frequency attached by ClinVar (database versions not stated): gnomAD below 0.00001 and 0.00001; gnomAD exomes below 0.00001.
gnomAD v4.1: 2 of 1,614,100 alleles (0.00012%); highest among the groups gnomAD compares: South Asian, 0.0011%; no homozygotes.

Submission:

GeneDx
Classification: Pathogenic. Last evaluated: 2018-10-28. Review status: criteria provided, single submitter. Criteria: GeneDx Variant Classification (06012015). Collection method: clinical testing. Allele origin: germline. Affected: yes.
Comment: The E224X variant in the UMPS gene has not been reported previously as a pathogenic variant nor as a benign variant, to our knowledge. This variant is predicted to cause loss of normal protein function either through protein truncation or nonsense-mediated mRNA decay. The E224X variant is not observed in large population cohorts (Lek et al., 2016). We interpret E224X as a pathogenic variant.